The following is an entry in ClinVar:

NM_001903.5(CTNNA1):c.1486del (p.Arg496fs)

Gene: CTNNA1 (catenin alpha 1; plus strand). Cytogenetic location: 5q31.2.
Variant type: Deletion.
Coding change: c.1486del on transcript NM_001903.5 (MANE Select); coding-DNA position 1486, one base deleted (C; older notation c.1486delC).
Protein change: p.Arg496fs; shifts the reading frame from arginine 496.
Molecular consequence: frameshift variant.
Genome position (GRCh38, 1-based): chr5:138,917,838, C deleted; the last of 2 consecutive C bases (chr5:138,917,837-138,917,838); deleting either gives the same sequence. VCF-style (leftmost placement, unchanged base first): chr5-138917836-TC-T. GRCh37 (hg19) VCF-style: chr5-138253525-TC-T.
Other names: c.1486del, p.Arg496fs (NM_001290307.3, NM_001323982.2, NM_001323983.1 and 2 more transcripts); c.1177del, p.Arg393fs (NM_001290309.3); c.1117del, p.Arg373fs (NM_001290310.3); c.376del, p.Arg126fs (NM_001290312.1, NM_001323987.1, NM_001323988.1 and 17 more transcripts); c.1393del, p.Arg465fs (NM_001323986.2); c.37del, p.Arg13fs (NM_001324006.1, NM_001324007.1, NM_001324008.1 and 2 more transcripts); c.283del, p.Arg95fs (NM_001324011.1); c.133del, p.Arg45fs (NM_001324012.1, NM_001324013.1); short protein forms R126fs, R13fs, R373fs, R393fs, R45fs, R465fs, R496fs, R95fs.
Identifiers: ClinVar variation 4876094 (VCV004876094.1).

ClinVar aggregate classification (germline): Pathogenic (1 of 4 stars; one submission).

Conditions:
Hereditary diffuse gastric adenocarcinoma (HDGC). Also called: DIFFUSE GASTRIC AND LOBULAR BREAST CANCER SYNDROME. Identifiers: Orphanet 26106, MedGen C1708349, MONDO:0007648, OMIM 137215.

Submission:

Myriad Genetics, Inc.
Classification: Pathogenic for Hereditary diffuse gastric adenocarcinoma. Last evaluated: 2026-06-17. Review status: criteria provided, single submitter. Criteria: Myriad Autosomal Dominant, Autosomal Recessive and X-Linked Classification Criteria (2023). Collection method: clinical testing. Allele origin: unknown.
Comment: This variant is considered pathogenic. This variant creates a frameshift predicted to result in premature protein truncation.